The following is an entry in ClinVar:

NM_000540.3(RYR1):c.2914A>G (p.Ser972Gly)

Gene: RYR1 (ryanodine receptor 1; plus strand). Cytogenetic location: 19q13.2.
Variant type: single nucleotide variant.
Coding change: c.2914A>G on transcript NM_000540.3 (MANE Select); coding-DNA position 2914, A replaced by G.
Protein change: p.Ser972Gly; replaces serine 972 with glycine.
Molecular consequence: missense variant.
Genome position (GRCh38, 1-based): chr19:38,466,134, A>G. VCF-style: chr19-38466134-A-G. GRCh37 (hg19) VCF-style: chr19-38956774-A-G.
Other names: c.2914A>G, p.Ser972Gly (NM_001042723.2); short protein forms S972G.
Identifiers: ClinVar variation 573083 (VCV000573083.9), dbSNP rs1568461688, ClinGen allele CA405634703.

ClinVar aggregate classification (germline): Uncertain significance. Review status: criteria provided, multiple submitters, no conflicts (2 of 4 stars). 2 submissions from 2 submitters: Uncertain significance (2). Last evaluated 2025-04-17.

Conditions:
RYR1-related disorder. Also called: RYR1-related disorders; RYR1-related condition. Identifiers: MedGen CN239331.

Allele frequency attached by ClinVar (database versions not stated): gnomAD exomes below 0.00001.
gnomAD v4.1: 2 of 1,613,306 alleles (0.00012%); highest among the groups gnomAD compares: Non-Finnish European, 0.00017%; no homozygotes.

Submissions (2):

GeneDx
Classification: Uncertain significance. Last evaluated: 2025-04-17. Review status: criteria provided, single submitter. Criteria: GeneDx Variant Classification Process June 2021. Collection method: clinical testing. Allele origin: germline. Affected: yes.
Comment: Not observed at significant frequency in large population cohorts (gnomAD); In silico analysis supports that this missense variant has a deleterious effect on protein structure/function; Has not been previously published as pathogenic or benign to our knowledge

Labcorp Genetics (formerly Invitae), Labcorp
Classification: Uncertain significance for RYR1-related disorder. Last evaluated: 2022-07-26. Review status: criteria provided, single submitter. Criteria: Invitae Variant Classification Sherloc (09022015). Collection method: clinical testing. Allele origin: germline.
Comment: This variant is not present in population databases (gnomAD no frequency). In summary, the available evidence is currently insufficient to determine the role of this variant in disease. Therefore, it has been classified as a Variant of Uncertain Significance. Algorithms developed to predict the effect of missense changes on protein structure and function are either unavailable or do not agree on the potential impact of this missense change (SIFT: "Deleterious"; PolyPhen-2: "Probably Damaging"; Align-GVGD: "Class C0"). ClinVar contains an entry for this variant (Variation ID: 573083). This variant has not been reported in the literature in individuals affected with RYR1-related conditions. This sequence change replaces serine, which is neutral and polar, with glycine, which is neutral and non-polar, at codon 972 of the RYR1 protein (p.Ser972Gly).